The following is an entry in ClinVar:

NM_004655.4(AXIN2):c.750G>A (p.Leu250=)

Gene: AXIN2 (axin 2; minus strand). Cytogenetic location: 17q24.1.
Variant type: single nucleotide variant.
Coding change: c.750G>A on transcript NM_004655.4 (MANE Select); coding-DNA position 750, G replaced by A.
Protein change: p.Leu250=; no amino-acid change (leucine 250 retained).
Molecular consequence: synonymous variant.
Genome position (GRCh38, 1-based): chr17:65,557,871, C>T on the plus strand (G>A on the coding strand, the complement: AXIN2 is on the minus strand). VCF-style: chr17-65557871-C-T. GRCh37 (hg19) VCF-style: chr17-63553989-C-T.
Other names: c.750G>A, p.Leu250= (NM_001363813.1).
Identifiers: ClinVar variation 3254260 (VCV003254260.1), dbSNP rs1060502149.

ClinVar aggregate classification (germline): Benign (1 of 4 stars; one submission).

Conditions:
Oligodontia-cancer predisposition syndrome. Also called: TOOTH AGENESIS-COLORECTAL CANCER SYNDROME. Identifiers: Orphanet 300576, MedGen C1837750, MONDO:0012075, OMIM 608615. Disease mechanism: loss of function.

Submission:

Myriad Genetics, Inc.
Classification: Benign for Oligodontia-cancer predisposition syndrome. Last evaluated: 2024-06-27. Review status: criteria provided, single submitter. Criteria: Myriad Autosomal Dominant, Autosomal Recessive and X-Linked Classification Criteria (2023). Collection method: clinical testing. Allele origin: unknown.
Comment: This variant is considered benign. This variant is a silent/synonymous amino acid change and it is not expected to impact splicing.